The following is an entry in ClinVar:

ClinVar aggregate classification (germline): Pathogenic/Likely pathogenic. Review status: criteria provided, multiple submitters, no conflicts (2 of 4 stars). 3 submissions from 3 submitters: Pathogenic (1); Likely pathogenic (1). 1 of the submissions does not count toward it. Last evaluated 2024-06-27.

Conditions:
Renal tubular dysgenesis. Also called: Renotubular dysgenesis. Identifiers: Orphanet 3033, MedGen C0266313, MONDO:0017609, HP:0008660.
Congenital anomaly of kidney and urinary tract. Also called: Congenital anomalies of the kidney and urinary tract; Congenital anomalies of kidney and urinary tract. Identifiers: Orphanet 93545, MedGen C1968949, MeSH C566906, MONDO:0019719.

Allele frequency attached by ClinVar (database versions not stated): gnomAD 0.00001; gnomAD exomes 0.00001; TOPMed 0.00001.
gnomAD v4.1: 4 of 1,612,540 alleles (0.00025%); highest among the groups gnomAD compares: Non-Finnish European, 0.00034%; no homozygotes.

Submissions (3):

GeneDx
Classification: Pathogenic. Last evaluated: 2024-06-27. Review status: criteria provided, single submitter. Criteria: GeneDx Variant Classification Process June 2021. Collection method: clinical testing. Allele origin: germline. Affected: yes.
Comment: Canonical splice site variant predicted to result in a null allele in a gene for which loss of function is a known mechanism of disease (PMID: 34906502); Not observed at significant frequency in large population cohorts (gnomAD); This variant is associated with the following publications: (PMID: 34906502)

Kids Neuroscience Centre, Sydney Children's Hospitals Network
Classification: Likely pathogenic for Renal tubular dysgenesis of genetic origin. Review status: criteria provided, single submitter. Criteria: Bournazos AM et al. (Genet Med 2021). Collection method: clinical testing. Allele origin: inherited, unknown. Inheritance: Autosomal recessive inheritance. Affected: yes and no. Observed: 2 heterozygotes, 1 homozygote. Clinical features observed: Stillbirth (HP:0003826).
Comment: The c.1709+5G>C variant results in: (1) Exon 11 skipping, an in-frame event, (2). Use of a cryptic 5’-splice site, out-of-frame. Exon 11 skipping removes 41 amino acids p.(Tyr530_Arg570del) from the peptidase M2 domain of ACE, of which 26 residues are highly conserved between mammals, birds, amphibians and fish (Figure 7). Loss of 26 highly conserved residues is likely to exert a damaging effect for the encoded ACE protein.

Sydney Genome Diagnostics, Children's Hospital Westmead
Classification: Likely pathogenic for Congenital anomaly of kidney and urinary tract. Last evaluated: 2019-06-26. Review status: no assertion criteria provided. Collection method: clinical testing. Allele origin: unknown. Affected: yes. Observed: 1 variant allele, 1 homozygote. Not counted in ClinVar's aggregate classification.
Comment: The variant has not been reported in any population databases (i.e. gnomAD, ExAC, ESP or dbSNP). To our knowledge, c.1709+5G>C variant has not been previously reported in the literature or any disease specific databases as being associated with disease. mRNA studies from parental blood samples showed that the c.1709+5G>C variant induced abnormal splicing, resulting in the skipping of exon 11 of the ACE NM_000789.3 transcript. This leads to the in-frame deletion of 41 amino acids in the peptidase M2 domain of ACE, including 26 highly conserved residues (performed by Prof. Sandra Cooper Splicing Diagnostics, Kid's Neuroscience, Children's Hospital Westmead, Sydney NSW, Australia; dated 21.06.2019). This variant is now considered to be likely pathogenic according to the ACMG guidelines (Evidence used: PM1, PM2, PM4).

NM_000789.4(ACE):c.1709+5G>C

Gene: ACE (angiotensin I converting enzyme; plus strand). Cytogenetic location: 17q23.3.
Variant type: single nucleotide variant.
Coding change: c.1709+5G>C on transcript NM_000789.4 (MANE Select); 5 bases into the intron after coding-DNA position 1709, G replaced by C.
Molecular consequence: intron variant.
Genome position (GRCh38, 1-based): chr17:63,483,976, G>C. VCF-style: chr17-63483976-G-C. GRCh37 (hg19) VCF-style: chr17-61561337-G-C.
Other names: c.857+5G>C (NM_001382701.1); c.1142+5G>C (NM_001382700.1).
Identifiers: ClinVar variation 988100 (VCV000988100.6), dbSNP rs1198993903, ClinGen allele CA501183425.
Genomic context (GRCh38, chr17:63,483,976, plus strand): 5'-GGCCCACTGCACCAGTGTGACATCTACCGGTCCACCAAGGCAGGGGCCAAGCTCCGGTGT[G>C]TGGTGGGAAGCCGGGGGAAGTGGGAGGCAGAGAGGAGCGGCTGGCAAAGGGTGTGGCAGG-3'